The following is an entry in ClinVar:

NM_003482.4(KMT2D):c.193C>T (p.Arg65Cys)

Gene: KMT2D (lysine methyltransferase 2D; minus strand). Cytogenetic location: 12q13.12.
Variant type: single nucleotide variant.
Coding change: c.193C>T on transcript NM_003482.4 (MANE Select); coding-DNA position 193, C replaced by T.
Protein change: p.Arg65Cys; replaces arginine 65 with cysteine.
Molecular consequence: missense variant.
Genome position (GRCh38, 1-based): chr12:49,054,735, G>A on the plus strand (C>T on the coding strand, the complement: KMT2D is on the minus strand). VCF-style: chr12-49054735-G-A. GRCh37 (hg19) VCF-style: chr12-49448518-G-A.
Other names: short protein forms R65C.
Identifiers: ClinVar variation 1921846 (VCV001921846.7), dbSNP rs1189364625, ClinGen allele CA384689291.

ClinVar aggregate classification (germline): Conflicting classifications of pathogenicity. Review status: criteria provided, conflicting classifications (1 of 4 stars). 2 submissions from 2 submitters: Uncertain significance (1); Benign (1). Last evaluated 2025-12-23.

Conditions:
Kabuki syndrome. Also called: Kabuki make-up syndrome; NIIKAWA-KUROKI SYNDROME. Identifiers: Orphanet 2322, MedGen C0796004, MONDO:0016512.
KMT2D-related disorder. Also called: KMT2D-Related Disorders.

gnomAD v4.1: 3 of 1,613,646 alleles (0.00019%); highest among the groups gnomAD compares: East Asian, 0.0022%; no homozygotes.

Submissions (2):

PreventionGenetics, part of Exact Sciences
Classification: Uncertain significance for KMT2D-related condition. Last evaluated: 2025-12-23. Review status: criteria provided, single submitter. Criteria: ACMG Guidelines, 2015. Collection method: clinical testing. Allele origin: germline.
Comment: The KMT2D c.193C>T variant is predicted to result in the amino acid substitution p.Arg65Cys. To our knowledge, this variant has not been reported in the literature. This variant is reported in 0.0056% of alleles in individuals of East Asian descent in gnomAD. At this time, the clinical significance of this variant is uncertain due to the absence of conclusive functional and genetic evidence.

Labcorp Genetics (formerly Invitae), Labcorp
Classification: Benign for Kabuki syndrome. Last evaluated: 2022-11-27. Review status: criteria provided, single submitter. Criteria: Invitae Variant Classification Sherloc (09022015). Collection method: clinical testing. Allele origin: germline.